The following continues an entry in ClinVar:

NM_000059.4(BRCA2):c.8518A>G (p.Ile2840Val)

Gene: BRCA2. ClinVar aggregate classification (germline): Conflicting classifications of pathogenicity. Uncertain significance (14); Likely benign (1).

Submissions 8 to 17 of 17:

All of Us Research Program, National Institutes of Health
Classification: Uncertain significance for BRCA2-related cancer predisposition. Last evaluated: 2024-07-10. Review status: criteria provided, single submitter. Criteria: ACMG Guidelines, 2015. Collection method: clinical testing. Allele origin: germline. Inheritance: Autosomal dominant inheritance. Observed: 4 variant alleles, 4 heterozygotes.
Comment: This missense variant replaces isoleucine with valine at codon 2840 of the BRCA2 protein. Computational prediction suggests that this variant may not impact protein structure and function. A functional study in mouse embryonic stem cells has shown that this variant does not impact cell viability or drug sensitivity (PMID: 37922907). This variant has been reported in two individuals affected with breast cancer and one of whom also has a pathogenic BRCA2 co-variant and in a suspected hereditary breast and ovarian cancer family (PMID: 15876480, 16826315, 34917121) This variant also has been detected in a breast cancer case-control meta-analysis in 1/60463 cases and 1/53461 unaffected individuals (PMID: 33471991; Leiden Open Variation Database DB-ID BRCA2_000339). This variant has been identified in 3/282570 chromosomes in the general population by the Genome Aggregation Database (gnomAD). The available evidence is insufficient to determine the role of this variant in disease conclusively. Therefore, this variant is classified as a Variant of Uncertain Significance.

This study involves interpretation of variants in research participants for the purpose of population health screening. Participant phenotype was not available at the time of variant classification. Additional details can be found in publication PMID: 35346344, PMCID: PMC8962531

Baylor Genetics
Classification: Uncertain significance for Familial cancer of breast. Last evaluated: 2024-03-29. Review status: criteria provided, single submitter. Criteria: ACMG Guidelines, 2015. Collection method: clinical testing. Allele origin: unknown.

Color Diagnostics, LLC DBA Color Health
Classification: Uncertain significance for Hereditary cancer-predisposing syndrome. Last evaluated: 2024-03-11. Review status: criteria provided, single submitter. Criteria: ACMG Guidelines, 2015. Collection method: clinical testing. Allele origin: germline.
Comment: This missense variant replaces isoleucine with valine at codon 2840 of the BRCA2 protein. Computational prediction suggests that this variant may not impact protein structure and function. A functional study in mouse embryonic stem cells has shown that this variant does not impact cell viability or drug sensitivity (PMID: 37922907). This variant has been reported in two individuals affected with breast cancer and one of whom also has a pathogenic BRCA2 co-variant and in a suspected hereditary breast and ovarian cancer family (PMID: 15876480, 16826315, 34917121) This variant also has been detected in a breast cancer case-control meta-analysis in 1/60463 cases and 1/53461 unaffected individuals (PMID: 33471991; Leiden Open Variation Database DB-ID BRCA2_000339). This variant has been identified in 3/282570 chromosomes in the general population by the Genome Aggregation Database (gnomAD). The available evidence is insufficient to determine the role of this variant in disease conclusively. Therefore, this variant is classified as a Variant of Uncertain Significance.

Institute for Biomarker Research, Medical Diagnostic Laboratories, L.L.C.
Classification: Uncertain significance for Hereditary breast ovarian cancer syndrome. Last evaluated: 2022-11-22. Review status: criteria provided, single submitter. Criteria: ACMG Guidelines, 2015. Collection method: clinical testing. Allele origin: germline.

Laboratorio de Genetica e Diagnostico Molecular, Hospital Israelita Albert Einstein
Classification: Uncertain significance for Familial prostate cancer. Last evaluated: 2022-10-28. Review status: criteria provided, single submitter. Criteria: ACMG Guidelines, 2015. Collection method: clinical testing. Allele origin: germline. Affected: yes. Observed: 1 variant allele.
Comment: ACMG classification criteria: PM2 supporting, BP4 supporting

Laboratory for Molecular Medicine, Mass General Brigham Personalized Medicine
Classification: Uncertain significance. Last evaluated: 2022-04-01. Review status: criteria provided, single submitter. Criteria: ACMG Guidelines, 2015. Collection method: clinical testing. Allele origin: germline.
Comment: The p.Ile2840Val variant in BRCA2 has been reported in at least 3 individuals with BRCA2-associated cancers; 2 of these individuals were also heterozygous for additional BRCA2 variants (Salazar 2006 PMID: 15876480, Peixoto 2006 PMID: 16826315, Karchin 2008 PMID: 19043619). It has also been identified in 0.002% (3/128296) of European chromosomes by gnomAD. This variant has also been reported in ClinVar (Variation ID 52609). 5 mammals (Golden hamster, pika, weddell seal, tenrec, aardvark, platypus) and many bird species carry a Valine at this position despite high nearby amino acid conservation. In addition, computational prediction tools predict that this variant does not impact the protein. In summary, while the clinical significance of this variant is uncertain, these data suggest that it is more likely to be benign. ACMG/AMP Criteria applied: PM2_P, PS4_P, BP4.

Mendelics
Classification: Uncertain significance for Breast-ovarian cancer, familial, susceptibility to, 2. Last evaluated: 2019-05-28. Review status: criteria provided, single submitter. Criteria: Mendelics Assertion Criteria 2017. Collection method: clinical testing. Allele origin: unknown.

GeneDx
Classification: Uncertain significance. Last evaluated: 2017-06-12. Review status: criteria provided, single submitter. Criteria: GeneDx Variant Classification (06012015). Collection method: clinical testing. Allele origin: germline. Affected: yes.
Comment: This variant is denoted BRCA2 c.8518A>G at the cDNA level, p.Ile2840Val (I2840V) at the protein level, and results in the change of an Isoleucine to a Valine (ATA>GTA). Using alternate nomenclature, this variant would be defined as BRCA2 8746A>G. This variant has been observed in individuals of Portugese ancestry with a personal and/or family history of breast and/or ovarian cancer, and was reported to co-occur with BRCA2 c.8482A>G (p.Ile2828Val) in at least one individual (Peixoto 2006, Peixoto 2014). Additionally, Salazar et al. (2006) found this variant to co-occur with a BRCA2 frameshift variant, described as pathogenic, in an individual with a personal and/or family history of bilateral breast cancer. BRCA2 Ile2840Val was not observed at a significant allele frequency in large population cohorts (NHLBI Exome Sequencing Project, The 1000 Genomes Consortium 2015, Lek 2016). Since Isoleucine and Valine share similar properties, this is considered a conservative amino acid substitution. BRCA2 Ile2840Val occurs at a position where amino acids with properties similar to Isoleucine are tolerated across species and is located within the DNA binding domain (Yang 2002). In silico analyses are inconsistent regarding the effect this variant may have on protein structure and function. Based on currently available information, it is unclear whether BRCA2 Ile2840Val is pathogenic or benign. We consider it to be a variant of uncertain significance.

PreventionGenetics, part of Exact Sciences
Classification: Uncertain significance for BRCA2-related condition. Last evaluated: 2024-07-17. Review status: no assertion criteria provided. Collection method: clinical testing. Allele origin: germline. Not counted in ClinVar's aggregate classification.
Comment: The BRCA2 c.8518A>G variant is predicted to result in the amino acid substitution p.Ile2840Val. This variant (also reported as c.8746A>G) has been identified in individuals with a history of breast and/or ovarian cancer (Table 2, Peixoto et al. 2015. PubMed ID: 24916970; Salazar et al. 2006. PubMed ID: 15876480; Peixoto et al. 2006. PubMed ID: 16826315). In one individual, an additional pathogenic BRCA2 variant was also identified (Salazar et al. 2006. PubMed ID: 15876480). Computational prediction algorithms specific to BRCA2 suggest this variant’s impact on protein activity is neutral (Supplemental Table 1, Karchin et al. 2008. PubMed ID: 19043619). This variant is reported in 0.0023% of alleles in individuals of European (Non-Finnish) descent in gnomAD and is listed in ClinVar as a variant of uncertain significance. At this time, the clinical significance of this variant is uncertain due to the absence of conclusive functional and genetic evidence.

Breast Cancer Information Core (BIC) (BRCA2)
Classification: Uncertain significance for Breast-ovarian cancer, familial 2. Last evaluated: 2004-02-20. Review status: no assertion criteria provided. Collection method: clinical testing. Allele origin: germline. Affected: yes. Observed: 1 variant allele. Not counted in ClinVar's aggregate classification.

Literature cited by the submitters: PubMed 19043619 (cited by 4 submitters); PubMed 15876480 (cited by 7 submitters); PubMed 24916970 (cited by 4 submitters); PubMed 16826315 (cited by 7 submitters); PubMed 28651617 (cited by Women's Health and Genetics/Laboratory Corporation of America, LabCorp and Quest Diagnostics Nichols Institute San Juan Capistrano); PubMed 30078507 (cited by Women's Health and Genetics/Laboratory Corporation of America, LabCorp); PubMed 33471991 (cited by 4 submitters); PubMed 35264596 (cited by 4 submitters); PubMed 34917121 (cited by 5 submitters); PubMed 37922907 (cited by 5 submitters); PubMed 41163992 (cited by Women's Health and Genetics/Laboratory Corporation of America, LabCorp); PubMed 35534704 (cited by Labcorp Genetics (formerly Invitae), Labcorp and Quest Diagnostics Nichols Institute San Juan Capistrano); PubMed 35864222 (cited by 3 submitters); PubMed 29684080 (cited by Ambry Genetics).